The following is an entry in ClinVar:

NM_005502.4(ABCA1):c.3103+3G>A

Gene: ABCA1 (ATP binding cassette subfamily A member 1; minus strand). Cytogenetic location: 9q31.1.
Variant type: single nucleotide variant.
Coding change: c.3103+3G>A on transcript NM_005502.4 (MANE Select); 3 bases into the intron after coding-DNA position 3103, G replaced by A.
Molecular consequence: intron variant.
Genome position (GRCh38, 1-based): chr9:104,819,924, C>T on the plus strand (G>A on the coding strand, the complement: ABCA1 is on the minus strand). VCF-style: chr9-104819924-C-T. GRCh37 (hg19) VCF-style: chr9-107582205-C-T.
Identifiers: ClinVar variation 914884 (VCV000914884.10), dbSNP rs758322157, ClinGen allele CA5168555.

ClinVar aggregate classification (germline): Conflicting classifications of pathogenicity. Review status: criteria provided, conflicting classifications (1 of 4 stars). 4 submissions from 3 submitters: Uncertain significance (3); Likely benign (1). Last evaluated 2026-05-27.

Conditions:
Cardiovascular phenotype. Identifiers: MedGen CN230736.
Tangier disease (TGD). Also called: HIGH DENSITY LIPOPROTEIN DEFICIENCY, TANGIER TYPE; HIGH DENSITY LIPOPROTEIN DEFICIENCY, TYPE 1; Cholesterol thesaurismosis. Identifiers: Orphanet 31150, MedGen C0039292, MONDO:0008783, OMIM 205400.
Hypoalphalipoproteinemia, primary, 1. Identifiers: Orphanet 425, MedGen C5231558, MONDO:0011393, OMIM 604091.

Allele frequency attached by ClinVar (database versions not stated): TOPMed 0.00002; gnomAD 0.00002.
gnomAD v4.1: 60 of 1,612,586 alleles (0.0037%); highest among the groups gnomAD compares: Non-Finnish European, 0.0048%; no homozygotes.

Submissions (4):

Ambry Genetics
Classification: Uncertain significance for Cardiovascular phenotype. Last evaluated: 2026-05-27. Review status: criteria provided, single submitter. Criteria: Ambry Variant Classification Scheme 2023. Collection method: clinical testing. Allele origin: germline.
Comment: The c.3103+3G>A intronic variant results from a G to A substitution 3 nucleotides after coding exon 20 in the ABCA1 gene. This nucleotide position is not well conserved in available vertebrate species. In silico splice site analysis predicts that this alteration will not have any significant effect on splicing. Based on the available evidence, the clinical significance of this variant remains unclear.

Mayo Clinic Laboratories, Mayo Clinic
Classification: Uncertain significance. Last evaluated: 2021-03-15. Review status: criteria provided, single submitter. Criteria: ACMG Guidelines, 2015. Collection method: clinical testing. Allele origin: germline. Observed: 1 variant allele.

Illumina Laboratory Services, Illumina
Classification: Likely benign for Hypoalphalipoproteinemia, primary, 1. Last evaluated: 2018-01-12. Review status: criteria provided, single submitter. Criteria: ICSL Variant Classification Criteria 13 December 2019. Collection method: clinical testing. Allele origin: germline.
Comment: This variant was observed in the ICSL laboratory as part of a predisposition screen in an ostensibly healthy population. It had not been previously curated by ICSL or reported in the Human Gene Mutation Database (HGMD: prior to June 1st, 2018), and was therefore a candidate for classification through an automated scoring system. Utilizing variant allele frequency, disease prevalence and penetrance estimates, and inheritance mode, an automated score was calculated to assess if this variant is too frequent to cause the disease. Based on the score and internal cut-off values, a variant classified as likely benign is not then subjected to further curation. The score for this variant resulted in a classification of likely benign for this disease.

Illumina Laboratory Services, Illumina
Classification: Uncertain significance for Tangier disease. Last evaluated: 2018-01-12. Review status: criteria provided, single submitter. Criteria: ICSL Variant Classification Criteria 13 December 2019. Collection method: clinical testing. Allele origin: germline.